The following is an entry in ClinVar:

NM_024675.4(PALB2):c.212-18C>T

Gene: PALB2 (partner and localizer of BRCA2; minus strand). Cytogenetic location: 16p12.2.
Variant type: single nucleotide variant.
Coding change: c.212-18C>T on transcript NM_024675.4 (MANE Select); 18 bases into the intron before coding-DNA position 212, C replaced by T.
Molecular consequence: intron variant.
Genome position (GRCh38, 1-based): chr16:23,636,352, G>A on the plus strand (C>T on the coding strand, the complement: PALB2 is on the minus strand). VCF-style: chr16-23636352-G-A. GRCh37 (hg19) VCF-style: chr16-23647673-G-A.
Identifiers: ClinVar variation 492178 (VCV000492178.9), dbSNP rs1555461886, ClinGen allele CA658683927.

ClinVar aggregate classification (germline): Likely benign. Review status: criteria provided, multiple submitters, no conflicts (2 of 4 stars). 3 submissions from 3 submitters: Likely benign (3). Last evaluated 2025-04-14.

Conditions:
Hereditary cancer-predisposing syndrome. Also called: Hereditary neoplastic syndrome; Tumor predisposition; Hereditary Cancer Syndrome; Neoplastic Syndromes, Hereditary. Identifiers: Orphanet 140162, MedGen C0027672, MeSH D009386, MONDO:0015356.
Familial cancer of breast. Also called: Hereditary breast cancer; hereditary breast carcinoma; BREAST CANCER, FAMILIAL. Identifiers: Orphanet 227535, MedGen C0346153, MONDO:0016419, OMIM 114480. Disease mechanism: loss of function.

Submissions (3):

Labcorp Genetics (formerly Invitae), Labcorp
Classification: Likely benign for Familial cancer of breast. Last evaluated: 2025-04-14. Review status: criteria provided, single submitter. Criteria: Invitae Variant Classification Sherloc (09022015). Collection method: clinical testing. Allele origin: germline.

Myriad Genetics, Inc.
Classification: Likely benign for Familial cancer of breast. Last evaluated: 2025-01-09. Review status: criteria provided, single submitter. Criteria: Myriad Autosomal Dominant, Autosomal Recessive and X-Linked Classification Criteria (2023). Collection method: clinical testing. Allele origin: unknown.
Comment: This variant is considered likely benign. This variant is intronic and is not expected to impact mRNA splicing.

Color Diagnostics, LLC DBA Color Health
Classification: Likely benign for Hereditary cancer-predisposing syndrome. Last evaluated: 2016-10-17. Review status: criteria provided, single submitter. Criteria: ACMG Guidelines, 2015. Collection method: clinical testing. Allele origin: germline.